The following is an entry in ClinVar:

NM_001127178.3(PIGG):c.989G>A (p.Ser330Asn)

Gene: PIGG (phosphatidylinositol glycan anchor biosynthesis class G (EMM blood group); plus strand). Cytogenetic location: 4p16.3.
Variant type: single nucleotide variant.
Coding change: c.989G>A on transcript NM_001127178.3 (MANE Select); coding-DNA position 989, G replaced by A.
Protein change: p.Ser330Asn; replaces serine 330 with asparagine.
Molecular consequence: missense variant. On other transcripts: 5 prime UTR variant (4), non-coding transcript variant (10).
Genome position (GRCh38, 1-based): chr4:516,060, G>A. VCF-style: chr4-516060-G-A. GRCh37 (hg19) VCF-style: chr4-509849-G-A.
Other names: c.722G>A, p.Ser241Asn (NM_001289051.2, NM_001289053.2, NM_001289057.2 and 2 more transcripts); c.590G>A, p.Ser197Asn (NM_001289052.2); c.623G>A, p.Ser208Asn (NM_001289055.2); c.-41G>A (NM_001345988.2); c.989G>A, p.Ser330Asn (NM_001345989.2, NM_017733.5); c.-637G>A (NM_001345990.2); c.-499G>A (NM_001345991.2); c.-224G>A (NM_001345994.2); short protein forms S197N, S208N, S241N, S330N.
Identifiers: ClinVar variation 1400579 (VCV001400579.6), dbSNP rs1189967347, ClinGen allele CA355901924.

ClinVar aggregate classification (germline): Uncertain significance (1 of 4 stars; one submission).

Conditions:
Intellectual disability, autosomal recessive 53 (NEDHSCA). Also called: NEURODEVELOPMENTAL DISORDER WITH OR WITHOUT HYPOTONIA, SEIZURES, AND CEREBELLAR ATROPHY; GLYCOSYLPHOSPHATIDYLINOSITOL BIOSYNTHESIS DEFECT 13; Mental retardation, autosomal recessive 53. Identifiers: Orphanet 488635, MedGen C4310794, MONDO:0014832, OMIM 616917.

Allele frequency attached by ClinVar (database versions not stated): gnomAD exomes 0.00001; TOPMed 0.00001.

Submission:

Labcorp Genetics (formerly Invitae), Labcorp
Classification: Uncertain significance for Intellectual disability, autosomal recessive 53. Last evaluated: 2023-07-17. Review status: criteria provided, single submitter. Criteria: Invitae Variant Classification Sherloc (09022015). Collection method: clinical testing. Allele origin: germline.
Comment: In summary, the available evidence is currently insufficient to determine the role of this variant in disease. Therefore, it has been classified as a Variant of Uncertain Significance. Advanced modeling of protein sequence and biophysical properties (such as structural, functional, and spatial information, amino acid conservation, physicochemical variation, residue mobility, and thermodynamic stability) performed at Invitae indicates that this missense variant is not expected to disrupt PIGG protein function. ClinVar contains an entry for this variant (Variation ID: 1400579). This variant has not been reported in the literature in individuals affected with PIGG-related conditions. This variant is not present in population databases (gnomAD no frequency). This sequence change replaces serine, which is neutral and polar, with asparagine, which is neutral and polar, at codon 330 of the PIGG protein (p.Ser330Asn).